The following is an entry in ClinVar:

NM_003672.4(CDC14A):c.302C>G (p.Ala101Gly)

Gene: CDC14A (cell division cycle 14A; plus strand). Cytogenetic location: 1p21.2.
Variant type: single nucleotide variant.
Coding change: c.302C>G on transcript NM_003672.4 (MANE Select); coding-DNA position 302, C replaced by G.
Protein change: p.Ala101Gly; replaces alanine 101 with glycine.
Molecular consequence: missense variant. On other transcripts: 5 prime UTR variant (1).
Genome position (GRCh38, 1-based): chr1:100,390,817, C>G. VCF-style: chr1-100390817-C-G. GRCh37 (hg19) VCF-style: chr1-100856373-C-G.
Other names: c.302C>G, p.Ala101Gly (NM_001319210.2, NM_033312.3, NM_033313.3); c.128C>G, p.Ala43Gly (NM_001319211.2); c.-490C>G (NM_001319212.2); c.302C>G (NM_033312.2); short protein forms A43G, A101G.
Identifiers: ClinVar variation 2059929 (VCV002059929.7), dbSNP rs140021980, ClinGen allele CA970502.

ClinVar aggregate classification (germline): Conflicting classifications of pathogenicity. Review status: criteria provided, conflicting classifications (1 of 4 stars). 3 submissions from 3 submitters: Uncertain significance (1); Likely benign (1). 1 of the submissions does not count toward it. Last evaluated 2025-12-22.

Conditions:
Inborn genetic diseases. Identifiers: MedGen C0950123, MeSH D030342.
CDC14A-related disorder. Also called: CDC14A-related condition.

Allele frequency attached by ClinVar (database versions not stated): ESP Exome Variant Server 0.00069; 1000 Genomes Project 30x 0.00078; 1000 Genomes Project 0.00100; TOPMed 0.00109.
gnomAD v4.1: 235 of 1,605,642 alleles (0.015%); highest among the groups gnomAD compares: African/African-American, 0.26%; no homozygotes.

Submissions (3):

Labcorp Genetics (formerly Invitae), Labcorp
Classification: Likely benign. Last evaluated: 2025-12-22. Review status: criteria provided, single submitter. Criteria: Invitae Variant Classification Sherloc (09022015). Collection method: clinical testing. Allele origin: germline.

Ambry Genetics
Classification: Uncertain significance for Inborn genetic diseases. Last evaluated: 2024-10-23. Review status: criteria provided, single submitter. Criteria: Ambry Variant Classification Scheme 2023. Collection method: clinical testing. Allele origin: germline.

PreventionGenetics, part of Exact Sciences
Classification: Likely benign for CDC14A-related condition. Last evaluated: 2022-12-07. Review status: no assertion criteria provided. Collection method: clinical testing. Allele origin: germline. Not counted in ClinVar's aggregate classification.
Comment: This variant is classified as likely benign based on ACMG/AMP sequence variant interpretation guidelines (Richards et al. 2015 PMID: 25741868, with internal and published modifications).